The following is an entry in ClinVar:

ClinVar aggregate classification (germline): Uncertain significance. Review status: criteria provided, multiple submitters, no conflicts (2 of 4 stars). 2 submissions from 2 submitters: Uncertain significance (2). Last evaluated 2025-12-18.

Allele frequency attached by ClinVar (database versions not stated): gnomAD exomes below 0.00001.
gnomAD v4.1: 3 of 1,614,120 alleles (0.00019%); highest among the groups gnomAD compares: East Asian, 0.0022%; no homozygotes.

Submissions (2):

Labcorp Genetics (formerly Invitae), Labcorp
Classification: Uncertain significance. Last evaluated: 2025-12-18. Review status: criteria provided, single submitter. Criteria: Invitae Variant Classification Sherloc (09022015). Collection method: clinical testing. Allele origin: germline.
Comment: This sequence change replaces arginine, which is basic and polar, with cysteine, which is neutral and slightly polar, at codon 984 of the COL11A1 protein (p.Arg984Cys). This variant is not present in population databases (gnomAD no frequency). This variant has not been reported in the literature in individuals affected with COL11A1-related conditions. ClinVar contains an entry for this variant (Variation ID: 1926289). Invitae Evidence Modeling of protein sequence and biophysical properties (such as structural, functional, and spatial information, amino acid conservation, physicochemical variation, residue mobility, and thermodynamic stability) has been performed for this missense variant. However, the output from this modeling did not meet the statistical confidence thresholds required to predict the impact of this variant on COL11A1 protein function. In summary, the available evidence is currently insufficient to determine the role of this variant in disease. Therefore, it has been classified as a Variant of Uncertain Significance.

Blueprint Genetics
Classification: Uncertain significance. Last evaluated: 2020-10-21. Review status: criteria provided, single submitter. Criteria: ACMG Guidelines, 2015. Collection method: clinical testing. Allele origin: germline.

NM_001854.4(COL11A1):c.2950C>T (p.Arg984Cys)

Gene: COL11A1 (collagen type XI alpha 1 chain; minus strand). Cytogenetic location: 1p21.1.
Variant type: single nucleotide variant.
Coding change: c.2950C>T on transcript NM_001854.4 (MANE Select); coding-DNA position 2950, C replaced by T.
Protein change: p.Arg984Cys; replaces arginine 984 with cysteine.
Molecular consequence: missense variant. On other transcripts: non-coding transcript variant (1).
Genome position (GRCh38, 1-based): chr1:102,962,727, G>A on the plus strand (C>T on the coding strand, the complement: COL11A1 is on the minus strand). VCF-style: chr1-102962727-G-A. GRCh37 (hg19) VCF-style: chr1-103428283-G-A.
Other names: c.2602C>T, p.Arg868Cys (NM_001168249.1, NM_080630.4); c.2833C>T, p.Arg945Cys (NM_001190709.2); c.2986C>T, p.Arg996Cys (NM_080629.3); short protein forms R868C, R945C, R984C, R996C.
Identifiers: ClinVar variation 1926289 (VCV001926289.6), dbSNP rs1020862028, ClinGen allele CA27694326.